The following is an entry in ClinVar:

NM_000138.5(FBN1):c.1837+5G>A

Gene: FBN1 (fibrillin 1; minus strand). Cytogenetic location: 15q21.1.
Variant type: single nucleotide variant.
Coding change: c.1837+5G>A on transcript NM_000138.5 (MANE Select); 5 bases into the intron after coding-DNA position 1837, G replaced by A.
Molecular consequence: intron variant.
Genome position (GRCh38, 1-based): chr15:48,508,577, C>T on the plus strand (G>A on the coding strand, the complement: FBN1 is on the minus strand). VCF-style: chr15-48508577-C-T. GRCh37 (hg19) VCF-style: chr15-48800774-C-T.
Identifiers: ClinVar variation 527158 (VCV000527158.50), dbSNP rs1445085747, ClinGen allele CA617839729.
Genomic context (GRCh38, chr15:48,508,577, plus strand): 5'-TCTAAACAACATAAGGAGGAGAAAAGGCACGTGAAGAACATGATCTAGGGTTTTATAGCA[C>T]GAACCTTTGCAATAACGTCCATCTGATGCCAGCTGGAATCCAGGTTTGCAAATACATTTA-3'

ClinVar aggregate classification (germline): Pathogenic/Likely pathogenic. Review status: criteria provided, multiple submitters, no conflicts (2 of 4 stars). 12 submissions from 12 submitters: Pathogenic (3); Likely pathogenic (8). 1 of the submissions does not count toward it. Last evaluated 2026-10-13.

Conditions:
Marfan Syndrome/Loeys-Dietz Syndrome/Familial Thoracic Aortic Aneurysms and Dissections. Identifiers: MedGen CN229799.
Familial thoracic aortic aneurysm and aortic dissection (TAAD). Also called: Thoracic aortic aneurysms and dissections. Identifiers: Orphanet 91387, MedGen C4707243, MONDO:0019625.
Marfan syndrome (MFS). Also called: FBN1-Related Marfan Syndrome; Marfan syndrome type 1; Marfan syndrome, classic; Marfan's syndrome; MARFAN SYNDROME, TYPE I. Identifiers: Orphanet 284963, Orphanet 558, MedGen C0024796, MONDO:0007947, OMIM 154700.
FBN1-related disorder. Also called: FBN1-related disorders.
Thoracic aortic aneurysm or dissection.
Acromicric dysplasia (ACMICD). Also called: Acromicric skeletal dysplasia. Identifiers: Orphanet 969, MedGen C0265287, MONDO:0007055, OMIM 102370.
Weill-Marchesani syndrome 2, dominant. Also called: Weill-Marchesani Syndrome, Autosomal Dominant; FBN1-Related Weill-Marchesani Syndrome. Identifiers: Orphanet 2084, MedGen C1869115, MONDO:0012013, OMIM 608328.
MASS syndrome (OCTD). Also called: OVERLAP CONNECTIVE TISSUE DISEASE; MASS PHENOTYPE. Identifiers: MedGen C1858556, MONDO:0011431, OMIM 604308.
Progeroid and marfanoid aspect-lipodystrophy syndrome. Also called: MARFANOID-PROGEROID-LIPODYSTROPHY SYNDROME; MARFANOID-PROGEROID SYNDROME; MARFAN-PROGEROID-LIPODYSTROPHY SYNDROME; Marfan lipodystrophy syndrome. Identifiers: Orphanet 300382, MedGen C4310796, MONDO:0014831, OMIM 616914.
Ectopia lentis 1, isolated, autosomal dominant (ECTOL1). Identifiers: Orphanet 1885, MedGen C3541518, MONDO:0007514, OMIM 129600.
Geleophysic dysplasia 2 (GPHYSD2). Identifiers: Orphanet 2623, MedGen C3280054, MONDO:0013612, OMIM 614185.
Stiff skin syndrome (SSKS). Identifiers: Orphanet 2833, MedGen C1861456, MONDO:0008492, OMIM 184900.

Allele frequency attached by ClinVar (database versions not stated): gnomAD exomes below 0.00001.
gnomAD v4.1: 2 of 1,613,632 alleles (0.00012%); highest among the groups gnomAD compares: South Asian, 0.0011%; no homozygotes.

Submissions (12):

GeneDx
Classification: Likely pathogenic. Last evaluated: 2026-10-13. Review status: criteria provided, single submitter. Criteria: GeneDx Variant Classification Process June 2021. Collection method: clinical testing. Allele origin: germline.
Comment: Not observed at significant frequency in large population cohorts (gnomAD); In silico analysis predicts this variant may weaken or destroy the splice donor site in intron 15 and may cause abnormal gene splicing; however, in the absence of functional mRNA studies, the physiological consequence of this variant cannot be precisely determined; This variant is associated with the following publications: (PMID: 9399842, 14695540, 19839986, 28642162, 10612827, 35058154, 40118890)

Labcorp Genetics (formerly Invitae), Labcorp
Classification: Pathogenic for Marfan syndrome; Familial thoracic aortic aneurysm and aortic dissection. Last evaluated: 2025-12-08. Review status: criteria provided, single submitter. Criteria: Invitae Variant Classification Sherloc (09022015). Collection method: clinical testing. Allele origin: germline.
Comment: This sequence change falls in intron 15 of the FBN1 gene. It does not directly change the encoded amino acid sequence of the FBN1 protein. It affects a nucleotide within the consensus splice site. This variant is present in population databases (no rsID available, gnomAD 0.003%). This variant has been observed in individuals with Marfan syndrome (PMID: 10612827, 14695540, 19839986, 28642162). ClinVar contains an entry for this variant (Variation ID: 527158). Variants that disrupt the consensus splice site are a relatively common cause of aberrant splicing (PMID: 17576681, 9536098). Algorithms developed to predict the effect of sequence changes on RNA splicing suggest that this variant may disrupt the consensus splice site. For these reasons, this variant has been classified as Pathogenic.

NHS Central & South Genomic Laboratory Hub
Classification: Pathogenic for Thoracic aortic aneurysm or dissection. Last evaluated: 2025-09-25. Review status: criteria provided, single submitter. Criteria: ACMG Guidelines, 2015. Collection method: clinical testing. Allele origin: germline. Affected: yes.

Ambry Genetics
Classification: Likely pathogenic for Familial thoracic aortic aneurysm and aortic dissection. Last evaluated: 2024-10-30. Review status: criteria provided, single submitter. Criteria: Ambry Variant Classification Scheme 2023. Collection method: clinical testing. Allele origin: germline.
Comment: The c.1837+5G>A intronic variant results from a G to A substitution 5 nucleotides after coding exon 14 in the FBN1 gene. This alteration has been detected in one individual with a clinical diagnosis of Marfan syndrome as well as in two individuals with ectopia lentis, one of whom also had skeletal manifestations (Biggin A et al. Hum. Mutat., 2004 Jan;23:99; Hung CC et al. Ann. Hum. Genet., 2009 Nov;73:559-67; Overwater E et al. Eur J Med Genet, 2017 Sep;60:465-473). This nucleotide position is well conserved in available vertebrate species. In silico splice site analysis predicts that this alteration may weaken the native splice donor site and will result in the creation or strengthening of a novel splice donor site. This variant is considered to be rare based on population cohorts in the Genome Aggregation Database (gnomAD). Based on the majority of available evidence to date, this variant is likely to be pathogenic.

All of Us Research Program, National Institutes of Health
Classification: Likely pathogenic for Marfan syndrome. Last evaluated: 2024-09-18. Review status: criteria provided, single submitter. Criteria: ACMG Guidelines, 2015. Collection method: clinical testing. Allele origin: germline. Inheritance: Autosomal dominant inheritance. Observed: 2 variant alleles, 2 heterozygotes.
Comment: The c.1837+5G>A splice site variant in FBN1 gene, that encodes for fibrillin 1, is located in intron 15. Computational prediction tools predict that the c.1837+5G>A variant may significantly impact normal splicing (Splice AI score donor gain: 0.83, -61bp). This variant likely leads to inclusion of 66bp intronic sequence resulting in an in-frame insertion of twenty-two amino acids (PMID: 26787436, 28468757). This variant has been reported in at least ten individualas affected with Marfan syndrome (MFS) (PMID: 25652356, 26787436, 28468757). In addition, this variant has been reported in two individuals affected with ectopia lentis (PMID: 14695540, 28642162), and in one individual who fulfilled the Ghent clinical criteria of MFS (PMID: 19839986). This variant is rare (2/1613632 chromosomes; 0.0001239%) in the general population database, gnomAD (v4.1.0) and interpreted as likely pathogenic/pathogenic by multiple submitters in the ClinVar database (ID: 527158). Therefore, the c.1837+5G>A variant in the FBN1 gene is classified as likely pathogenic.

This study involves interpretation of variants in research participants for the purpose of population health screening. Participant phenotype was not available at the time of variant classification. Additional details can be found in publication PMID: 35346344, PMCID: PMC8962531

Mayo Clinic Laboratories, Mayo Clinic
Classification: Likely pathogenic. Last evaluated: 2024-04-02. Review status: criteria provided, single submitter. Criteria: ACMG Guidelines, 2015. Collection method: clinical testing. Allele origin: germline. Observed: 1 variant allele.
Comment: PP3, PP4, PM2, PS3_supporting, PS4

Blueprint Genetics
Classification: Likely pathogenic for FBN1-related disorders. Last evaluated: 2023-03-31. Review status: criteria provided, single submitter. Criteria: ACMG Guidelines, 2015. Collection method: clinical testing. Allele origin: germline. Affected: yes. Observed: 3 variant alleles.

Color Diagnostics, LLC DBA Color Health
Classification: Likely pathogenic for Familial thoracic aortic aneurysm and aortic dissection. Last evaluated: 2023-02-01. Review status: criteria provided, single submitter. Criteria: ACMG Guidelines, 2015. Collection method: clinical testing. Allele origin: germline.
Comment: This variant causes a G to A nucleotide substitution at the +5 position of intron 15 of the FBN1 gene. Splice site prediction tools predict that this variant may have a significant impact on RNA splicing. To our knowledge, RNA studies have not been reported for this variant. This variant has been reported in two individuals affected with Marfan syndrome and in an individual suspected of having Marfan syndrome (PMID: 9399842, 19839986, 25652356). This variant has also been reported in another two individuals affected with ectopia lentis (PMID: 14695540, 28642162). This variant has been identified in 1/251316 chromosomes in the general population by the Genome Aggregation Database (gnomAD). Based on the available evidence, this variant is classified as Likely Pathogenic.

Women's Health and Genetics/Laboratory Corporation of America, LabCorp
Classification: Pathogenic for Marfan Syndrome/Loeys-Dietz Syndrome/Familial Thoracic Aortic Aneurysms and Dissections. Last evaluated: 2023-01-23. Review status: criteria provided, single submitter. Criteria: LabCorp Variant Classification Summary - May 2015. Collection method: clinical testing. Allele origin: germline.
Comment: Variant summary: FBN1 c.1837+5G>A alters a nucleotide located close to a canonical splice site and therefore could affect mRNA splicing, leading to a significantly altered protein sequence. Several computational tools predict a significant impact on normal splicing: One predict the variant abolishes a 5' splicing donor site. Two predict the variant weakens a 5' donor site. However, these predictions have yet to be confirmed by functional studies. The variant allele was found at a frequency of 4e-06 in 251316 control chromosomes. c.1837+5G>A has been reported in the literature in multiple individuals affected with Marfan Syndrome (Franken_2016, Franken_2017) and other related phenotypes: Dural Ectasia (Hung_2009) and Ectopia Lentis (Biggin_2004, Overwater_2017). These data indicate that the variant is very likely to be associated with disease. To our knowledge, no experimental evidence demonstrating an impact on protein function has been reported. Six clinical diagnostic laboratories have submitted clinical-significance assessments for this variant to ClinVar after 2014 without evidence for independent evaluation and classified as VUS (n=1), Likely Pathogenic (n=4) and Pathogenic (n=1). Based on the evidence outlined above, the variant was classified as pathogenic.

Fulgent Genetics
Classification: Likely pathogenic for Acromicric dysplasia; Ectopia lentis 1, isolated, autosomal dominant; Marfan syndrome; Stiff skin syndrome; MASS syndrome; Weill-Marchesani syndrome 2, dominant; Geleophysic dysplasia 2; Progeroid and marfanoid aspect-lipodystrophy syndrome. Last evaluated: 2021-07-03. Review status: criteria provided, single submitter. Criteria: ACMG Guidelines, 2015. Collection method: clinical testing. Allele origin: unknown.

Centre of Medical Genetics, University of Antwerp
Classification: Likely pathogenic for Marfan syndrome. Last evaluated: 2021-03-01. Review status: criteria provided, single submitter. Criteria: Submitter's publication. Collection method: research. Allele origin: unknown. Affected: yes.
Comment: PM2, PS1, PP4

Center for Medical Genetics Ghent, University of Ghent
Classification: Uncertain significance for Marfan syndrome. Last evaluated: 2017-11-07. Review status: no assertion criteria provided. Collection method: clinical testing. Allele origin: germline. Affected: yes. Not counted in ClinVar's aggregate classification.

Literature cited by the submitters: PubMed 10612827 (cited by Labcorp Genetics (formerly Invitae), Labcorp); PubMed 14695540 (cited by 6 submitters); PubMed 19839986 (cited by 6 submitters); PubMed 28642162 (cited by 6 submitters); PubMed 17576681 (cited by Labcorp Genetics (formerly Invitae), Labcorp); PubMed 9536098 (cited by Labcorp Genetics (formerly Invitae), Labcorp); PubMed 26787436 (cited by 4 submitters); PubMed 35058154 (cited by Ambry Genetics and Mayo Clinic Laboratories, Mayo Clinic); PubMed 25652356 (cited by All of Us Research Program, National Institutes of Health and Color Diagnostics, LLC DBA Color Health); PubMed 28468757 (cited by 3 submitters); PubMed 9399842 (cited by Color Diagnostics, LLC DBA Color Health).